The following is an entry in ClinVar:

NM_000059.4(BRCA2):c.1864G>A (p.Ala622Thr)

Gene: BRCA2 (BRCA2 DNA repair associated; plus strand). Cytogenetic location: 13q13.1.
Variant type: single nucleotide variant.
Coding change: c.1864G>A on transcript NM_000059.4 (MANE Select); coding-DNA position 1864, G replaced by A.
Protein change: p.Ala622Thr; replaces alanine 622 with threonine.
Molecular consequence: missense variant.
Genome position (GRCh38, 1-based): chr13:32,333,342, G>A. VCF-style: chr13-32333342-G-A. GRCh37 (hg19) VCF-style: chr13-32907479-G-A.
Other names: short protein forms A622T.
Identifiers: ClinVar variation 569175 (VCV000569175.13), dbSNP rs1566224537, ClinGen allele CA387766502.

ClinVar aggregate classification (germline): Conflicting classifications of pathogenicity. Review status: criteria provided, conflicting classifications (1 of 4 stars). 3 submissions from 3 submitters: Uncertain significance (2); Likely benign (1). Last evaluated 2023-12-08.

Conditions:
Hereditary cancer-predisposing syndrome. Also called: Hereditary neoplastic syndrome; Tumor predisposition; Neoplastic Syndromes, Hereditary; Hereditary Cancer Syndrome. Identifiers: Orphanet 140162, MedGen C0027672, MeSH D009386, MONDO:0015356.
Hereditary breast ovarian cancer syndrome. Also called: Hereditary breast and ovarian cancer syndrome; Breast and ovarian cancer; Hereditary breast and ovarian cancer; Hereditary breast and/or ovarian cancer syndrome; Hereditary breast and ovarian cancer syndrome (HBOC); BRCA1- and BRCA2-Associated Hereditary Breast and Ovarian Cancer. Identifiers: Orphanet 145, MedGen C0677776, MeSH D061325, MONDO:0003582. Disease mechanism: loss of function.

Submissions (3):

Labcorp Genetics (formerly Invitae), Labcorp
Classification: Uncertain significance for Hereditary breast ovarian cancer syndrome. Last evaluated: 2023-12-08. Review status: criteria provided, single submitter. Criteria: Invitae Variant Classification Sherloc (09022015). Collection method: clinical testing. Allele origin: germline.
Comment: This sequence change replaces alanine, which is neutral and non-polar, with threonine, which is neutral and polar, at codon 622 of the BRCA2 protein (p.Ala622Thr). This variant is not present in population databases (gnomAD no frequency). This missense change has been observed in individual(s) with breast cancer (PMID: 30287823). ClinVar contains an entry for this variant (Variation ID: 569175). Advanced modeling of protein sequence and biophysical properties (such as structural, functional, and spatial information, amino acid conservation, physicochemical variation, residue mobility, and thermodynamic stability) performed at Invitae indicates that this missense variant is not expected to disrupt BRCA2 protein function with a negative predictive value of 95%. In summary, the available evidence is currently insufficient to determine the role of this variant in disease. Therefore, it has been classified as a Variant of Uncertain Significance.

Ambry Genetics
Classification: Uncertain significance for Hereditary cancer-predisposing syndrome. Last evaluated: 2023-05-18. Review status: criteria provided, single submitter. Criteria: Ambry Variant Classification Scheme 2023. Collection method: clinical testing. Allele origin: germline.
Comment: The p.A622T variant (also known as c.1864G>A), located in coding exon 9 of the BRCA2 gene, results from a G to A substitution at nucleotide position 1864. The alanine at codon 622 is replaced by threonine, an amino acid with similar properties. This alteration has been reported with a carrier frequency of 0.00014 in 7051 unselected women with breast cancer and was not observed in 11241 female controls (Momozawa Y et al. Nat Commun, 2018 10;9:4083). This amino acid position is not well conserved in available vertebrate species. In addition, this alteration is predicted to be tolerated by in silico analysis. Since supporting evidence is limited at this time, the clinical significance of this alteration remains unclear.

University of Washington Department of Laboratory Medicine, University of Washington
Classification: Likely benign for Hereditary cancer-predisposing syndrome. Last evaluated: 2023-03-23. Review status: criteria provided, single submitter. Criteria: Dines et al. (Genet Med. 2020). Collection method: curation. Allele origin: germline.
Comment: Missense variant in a coldspot region where missense variants are very unlikely to be pathogenic (PMID:31911673).

BRCA2 exon 10 coldspot. Reclassification based on statistical prior probability.

Literature cited by the submitters: PubMed 30287823 (cited by Labcorp Genetics (formerly Invitae), Labcorp and Ambry Genetics).